The following is an entry in ClinVar:

ClinVar aggregate classification (germline): Benign/Likely benign. Review status: criteria provided, multiple submitters, no conflicts (2 of 4 stars). 12 submissions from 12 submitters: Benign (11); Likely benign (1). Last evaluated 2026-01-31.

Conditions:
Loeys-Dietz syndrome (LDS). Identifiers: Orphanet 60030, MedGen C2697932, MONDO:0018954.
Familial thoracic aortic aneurysm and aortic dissection (TAAD). Also called: Thoracic aortic aneurysms and dissections. Identifiers: Orphanet 91387, MedGen C4707243, MONDO:0019625.
Multiple self-healing squamous epithelioma (MSSE). Also called: MULTIPLE SELF-HEALING SQUAMOUS EPITHELIOMA, SUSCEPTIBILITY TO. Identifiers: Orphanet 65748, MedGen C0546476, MONDO:0007566, OMIM 132800.

Allele frequency attached by ClinVar (database versions not stated): gnomAD exomes 0.00066; ExAC 0.00090; gnomAD 0.00207; TOPMed 0.00290; ESP Exome Variant Server 0.00346; 1000 Genomes Project 0.00419; 1000 Genomes Project 30x 0.00484.
gnomAD v4.1: 763 of 1,613,806 alleles (0.047%); highest among the groups gnomAD compares: African/African-American, 0.89%; 3 homozygotes.

Submissions (12):

Labcorp Genetics (formerly Invitae), Labcorp
Classification: Benign for Familial thoracic aortic aneurysm and aortic dissection. Last evaluated: 2026-01-31. Review status: criteria provided, single submitter. Criteria: Invitae Variant Classification Sherloc (09022015). Collection method: clinical testing. Allele origin: germline.

Mayo Clinic Laboratories, Mayo Clinic
Classification: Benign. Last evaluated: 2025-01-31. Review status: criteria provided, single submitter. Criteria: ACMG Guidelines, 2015. Collection method: clinical testing. Allele origin: germline. Observed: 1 variant allele.
Comment: BS1, BS2, BP4, BP7

Blueprint Genetics
Classification: Likely benign. Last evaluated: 2024-10-16. Review status: criteria provided, single submitter. Criteria: ACMG Guidelines, 2015. Collection method: clinical testing. Allele origin: germline.

All of Us Research Program, National Institutes of Health
Classification: Benign for Loeys-Dietz syndrome. Last evaluated: 2024-02-05. Review status: criteria provided, single submitter. Criteria: ACMG Guidelines, 2015. Collection method: clinical testing. Allele origin: germline. Inheritance: Autosomal dominant inheritance. Observed: 143 variant alleles, 143 heterozygotes.
Comment: This study involves interpretation of variants in research participants for the purpose of population health screening. Participant phenotype was not available at the time of variant classification. Additional details can be found in publication PMID: 35346344, PMCID: PMC8962531

KCCC/NGS Laboratory, Kuwait Cancer Control Center
Classification: Benign for Multiple self-healing squamous epithelioma. Last evaluated: 2023-07-07. Review status: criteria provided, single submitter. Criteria: ACMG Guidelines, 2015. Collection method: clinical testing. Allele origin: germline. Affected: yes.

ARUP Laboratories, Molecular Genetics and Genomics, ARUP Laboratories
Classification: Benign. Last evaluated: 2021-04-29. Review status: criteria provided, single submitter. Criteria: ARUP Molecular Germline Variant Investigation Process 2021. Collection method: clinical testing. Allele origin: germline.

Color Diagnostics, LLC DBA Color Health
Classification: Benign for Familial thoracic aortic aneurysm and aortic dissection. Last evaluated: 2018-03-08. Review status: criteria provided, single submitter. Criteria: ACMG Guidelines, 2015. Collection method: clinical testing. Allele origin: germline.

Women's Health and Genetics/Laboratory Corporation of America, LabCorp
Classification: Benign. Last evaluated: 2016-08-22. Review status: criteria provided, single submitter. Criteria: LabCorp Variant Classification Summary - May 2015. Collection method: clinical testing. Allele origin: germline.
Comment: Variant summary: The TGFBR1 c.1152C>T (p.Leu384Leu) variant causes a synonymous change involving a non-conserved nucleotide with 5/5 splice prediction tools predicting no significant impact on splicing or ESE binding, although these predictions have yet to be functionally assessed. The variant of interest was observed in the large, broad control population, ExAC, with an allele frequency of 109/121370 (1/1113), which significantly exceeds the estimated maximal expected allele frequency for a pathogenic TGFBR1 variant of 1/769230, suggesting this variant is likely a benign polymorphism. In addition, multiple reputable clinical laboratories cite the variant as "benign." Therefore, the variant of interest has been classified as Benign.

Ambry Genetics
Classification: Benign for Familial thoracic aortic aneurysm and aortic dissection. Last evaluated: 2015-12-02. Review status: criteria provided, single submitter. Criteria: Ambry Variant Classification Scheme 2023. Collection method: clinical testing. Allele origin: germline.

GeneDx
Classification: Benign. Last evaluated: 2014-10-22. Review status: criteria provided, single submitter. Criteria: GeneDx Variant Classification (06012015). Collection method: clinical testing. Allele origin: germline. Affected: yes.
Comment: This variant is considered likely benign or benign based on one or more of the following criteria: it is a conservative change, it occurs at a poorly conserved position in the protein, it is predicted to be benign by multiple in silico algorithms, and/or has population frequency not consistent with disease.

Laboratory for Molecular Medicine, Mass General Brigham Personalized Medicine
Classification: Benign. Last evaluated: 2012-06-22. Review status: criteria provided, single submitter. Criteria: LMM Criteria. Collection method: clinical testing. Allele origin: germline. Observed: 2 variant alleles.
Comment: Leu384Leu in Exon 07 of TGFBR1: This variant is not expected to have clinical si gnificance because it does not alter an amino acid residue, is not located withi n the splice consensus sequence and has been identified in 0.9% (32/3738) of Afr ican American chromosomes from a broad population by the NHLBI Exome Sequencing Project (dbSNP rs115324990).

Breakthrough Genomics
Classification: Benign. Review status: criteria provided, single submitter. Criteria: ACMG Guidelines, 2015. Collection method: not provided. Allele origin: germline. Inheritance: Autosomal dominant inheritance. Affected: yes.

NM_004612.4(TGFBR1):c.1152C>T (p.Leu384=)

Gene: TGFBR1 (transforming growth factor beta receptor 1; plus strand). Cytogenetic location: 9q22.33.
Variant type: single nucleotide variant.
Coding change: c.1152C>T on transcript NM_004612.4 (MANE Select); coding-DNA position 1152, C replaced by T.
Protein change: p.Leu384=; no amino-acid change (leucine 384 retained).
Molecular consequence: synonymous variant.
Genome position (GRCh38, 1-based): chr9:99,146,506, C>T. VCF-style: chr9-99146506-C-T. GRCh37 (hg19) VCF-style: chr9-101908788-C-T.
Other names: p.L384L:CTC>CTT; p.Leu384=; c.921C>T, p.Leu307= (NM_001130916.3); c.1164C>T, p.Leu388= (NM_001306210.2).
Identifiers: ClinVar variation 45094 (VCV000045094.71), dbSNP rs115324990, ClinGen allele CA008710.